The following is an entry in ClinVar:

NM_001360016.2(G6PD):c.859G>A (p.Glu287Lys)

Gene: G6PD (glucose-6-phosphate dehydrogenase; minus strand). Cytogenetic location: Xq28.
Variant type: single nucleotide variant.
Coding change: c.859G>A on transcript NM_001360016.2 (MANE Select); coding-DNA position 859, G replaced by A.
Protein change: p.Glu287Lys; replaces glutamic acid 287 with lysine.
Molecular consequence: missense variant.
Genome position (GRCh38, 1-based): chrX:154,533,581, C>T on the plus strand (G>A on the coding strand, the complement: G6PD is on the minus strand). VCF-style: chrX-154533581-C-T. GRCh37 (hg19) VCF-style: chrX-153761796-C-T.
Other names: c.949G>A, p.Glu317Lys (NM_000402.4); c.859G>A, p.Glu287Lys (NM_001042351.3); short protein forms E287K, E317K.
Identifiers: ClinVar variation 431774 (VCV000431774.6), dbSNP rs387906471, ClinGen allele CA337317049.

ClinVar aggregate classification (germline): Uncertain significance. Review status: criteria provided, multiple submitters, no conflicts (2 of 4 stars). 2 submissions from 2 submitters: Uncertain significance (2). Last evaluated 2023-02-05.

Conditions:
Anemia, nonspherocytic hemolytic, due to G6PD deficiency (CNSHA1). Also called: Hemolytic anemia due to G6PD deficiency; Class I glucose-6-phosphate dehydrogenase deficiency; Favism, susceptibility to; ANEMIA, CONGENITAL, NONSPHEROCYTIC HEMOLYTIC, 1. Identifiers: Orphanet 466026, MedGen C2720289, MONDO:0010480, OMIM 300908.

Submissions (2):

Labcorp Genetics (formerly Invitae), Labcorp
Classification: Uncertain significance for Anemia, nonspherocytic hemolytic, due to G6PD deficiency. Last evaluated: 2023-02-05. Review status: criteria provided, single submitter. Criteria: Invitae Variant Classification Sherloc (09022015). Collection method: clinical testing. Allele origin: germline.
Comment: This sequence change replaces glutamic acid, which is acidic and polar, with lysine, which is basic and polar, at codon 287 of the G6PD protein (p.Glu287Lys). This variant is not present in population databases (gnomAD no frequency). This variant has not been reported in the literature in individuals affected with G6PD-related conditions. ClinVar contains an entry for this variant (Variation ID: 431774). Advanced modeling of protein sequence and biophysical properties (such as structural, functional, and spatial information, amino acid conservation, physicochemical variation, residue mobility, and thermodynamic stability) performed at Invitae indicates that this missense variant is expected to disrupt G6PD protein function. In summary, the available evidence is currently insufficient to determine the role of this variant in disease. Therefore, it has been classified as a Variant of Uncertain Significance.

Foundation for Research in Genetics and Endocrinology, FRIGE's Institute of Human Genetics
Classification: Uncertain significance for Anemia, nonspherocytic hemolytic, due to G6PD deficiency. Last evaluated: 2020-07-02. Review status: criteria provided, single submitter. Criteria: ACMG Guidelines, 2015. Collection method: clinical testing. Allele origin: germline. Inheritance: X-linked dominant inheritance. Affected: yes. Observed: 1 heterozygote.
Comment: A heterozygous missense variation in exon 9 of the G6PD gene that results in the amino acid substitution of Lysine for Glutamic acid at codon 317 was detected. The observed variant has previously been reported in patients affected with G6PD deficiency (Sukumar et al. 2004, Ahluwalia et al. 1992) and lies in the glucose-6-phosphate dehydrogenase, C-terminal domain of the G6PD protein. This variant is a prevalent G6PD variant in the South Asian population, typically associated with partial reduction of enzyme activity. The variant c.949G>A (p.Glu317Lys) has a minor allele frequency of 0.2% and 0.1% in the 1000 genomes and gnomAD databases respectively. The in silico prediction of the variant are possibly damaging by PolyPhen-2 (HumDiv) and damaging by LRT. The reference codon is conserved across species. In summary, the variant meets our criteria to be classified as a variant of uncertain significance.